The following is an entry in ClinVar:

ClinVar aggregate classification (germline): Uncertain significance. Review status: criteria provided, multiple submitters, no conflicts (2 of 4 stars). 2 submissions from 2 submitters: Uncertain significance (2). Last evaluated 2025-04-22.

Conditions:
EGFR-related lung cancer (EGFR). Identifiers: MedGen CN130014.
Hereditary cancer-predisposing syndrome. Also called: Neoplastic Syndromes, Hereditary; Tumor predisposition; Hereditary neoplastic syndrome; Hereditary Cancer Syndrome. Identifiers: Orphanet 140162, MedGen C0027672, MeSH D009386, MONDO:0015356.

Allele frequency attached by ClinVar (database versions not stated): gnomAD exomes below 0.00001.
gnomAD v4.1: 1 of 1,513,998 alleles (0.000066%); highest among the groups gnomAD compares: Non-Finnish European, 0.000089%; no homozygotes.

Submissions (2):

Ambry Genetics
Classification: Uncertain significance for Hereditary cancer-predisposing syndrome. Last evaluated: 2025-04-22. Review status: criteria provided, single submitter. Criteria: Ambry Variant Classification Scheme 2023. Collection method: clinical testing. Allele origin: germline.
Comment: The p.R23P variant (also known as c.68G>C), located in coding exon 1 of the EGFR gene, results from a G to C substitution at nucleotide position 68. The arginine at codon 23 is replaced by proline, an amino acid with dissimilar properties. This amino acid position is conserved. In addition, this alteration is predicted to be tolerated by in silico analysis. Based on the available evidence, the clinical significance of this variant remains unclear.

Labcorp Genetics (formerly Invitae), Labcorp
Classification: Uncertain significance for EGFR-related lung cancer. Last evaluated: 2024-11-15. Review status: criteria provided, single submitter. Criteria: Invitae Variant Classification Sherloc (09022015). Collection method: clinical testing. Allele origin: germline.
Comment: This sequence change replaces arginine, which is basic and polar, with proline, which is neutral and non-polar, at codon 23 of the EGFR protein (p.Arg23Pro). This variant is not present in population databases (gnomAD no frequency). This variant has not been reported in the literature in individuals affected with EGFR-related conditions. ClinVar contains an entry for this variant (Variation ID: 3015016). An algorithm developed to predict the effect of missense changes on protein structure and function outputs the following: PolyPhen-2: "Benign". The proline amino acid residue is found in multiple mammalian species, which suggests that this missense change does not adversely affect protein function. In summary, the available evidence is currently insufficient to determine the role of this variant in disease. Therefore, it has been classified as a Variant of Uncertain Significance.

NM_005228.5(EGFR):c.68G>C (p.Arg23Pro)

Gene: EGFR (epidermal growth factor receptor; plus strand). Cytogenetic location: 7p11.2.
Variant type: single nucleotide variant.
Coding change: c.68G>C on transcript NM_005228.5 (MANE Select); coding-DNA position 68, G replaced by C.
Protein change: p.Arg23Pro; replaces arginine 23 with proline.
Molecular consequence: missense variant.
Genome position (GRCh38, 1-based): chr7:55,019,345, G>C. VCF-style: chr7-55019345-G-C. GRCh37 (hg19) VCF-style: chr7-55087038-G-C.
Other names: c.68G>C, p.Arg23Pro (NM_001346897.2, NM_001346898.2, NM_001346899.2 and 4 more transcripts); short protein forms R23P.
Identifiers: ClinVar variation 3015016 (VCV003015016.4), dbSNP rs1786374080, ClinGen allele CA367611281.
Genomic context (GRCh38, chr7:55,019,345, plus strand): 5'-CCTCCGGGACGGCCGGGGCAGCGCTCCTGGCGCTGCTGGCTGCGCTCTGCCCGGCGAGTC[G>C]GGCTCTGGAGGAAAAGAAAGGTAAGGGCGTGTCTCGCCGGCTCCCGCGCCGCCCCCGGAT-3'
Protein context (NP_005219.2, residues 13-33): ALLAALCPAS[Arg23Pro]ALEEKKVCQG